The following is an entry in ClinVar:

ClinVar aggregate classification (germline): Uncertain significance. Review status: criteria provided, multiple submitters, no conflicts (2 of 4 stars). 2 submissions from 2 submitters: Uncertain significance (2). Last evaluated 2026-06-01.

gnomAD v4.1: 113 of 1,613,618 alleles (0.007%); highest among the groups gnomAD compares: African/African-American, 0.088%; no homozygotes.

Submissions (2):

CeGaT Center for Human Genetics Tuebingen
Classification: Uncertain significance. Last evaluated: 2026-06-01. Review status: criteria provided, single submitter. Criteria: CeGaT Center For Human Genetics Tuebingen Variant Classification Criteria Version 2. Collection method: clinical testing. Allele origin: germline. Affected: yes. Observed: 1 variant allele.
Comment: FLRT3: PP3

Centre of Medical Genetics, University Hospital Muenster
Classification: Uncertain significance. Last evaluated: 2025-02-11. Review status: criteria provided, single submitter. Criteria: ACMG Guidelines, 2015. Collection method: clinical testing. Allele origin: unknown. Affected: yes. Observed: 1 variant allele, 1 heterozygote.
Comment: ACMG categories: PM2_sup,PP3

NM_198391.3(FLRT3):c.325T>G (p.Leu109Val)

Genes: FLRT3 (fibronectin leucine rich transmembrane protein 3; minus strand), MACROD2 (mono-ADP ribosylhydrolase 2; plus strand). Cytogenetic location: 20p12.1.
Variant type: single nucleotide variant.
Coding change: c.325T>G on transcript NM_198391.3 (MANE Select); coding-DNA position 325, T replaced by G.
Protein change: p.Leu109Val; replaces leucine 109 with valine.
Molecular consequence: missense variant. On other transcripts: intron variant (3).
Genome position (GRCh38, 1-based): chr20:14,327,182, A>C on the plus strand (T>G on the coding strand, the complement: FLRT3 is on the minus strand). VCF-style: chr20-14327182-A-C. GRCh37 (hg19) VCF-style: chr20-14307828-A-C.
Other names: c.325T>G, p.Leu109Val (NM_013281.4); c.272-166297A>C (NM_001351661.2, NM_001351663.2, NM_080676.6); short protein forms L109V.
Identifiers: ClinVar variation 4526345 (VCV004526345.3), dbSNP rs571028191.